The following is an entry in ClinVar:

ClinVar aggregate classification (germline): Conflicting classifications of pathogenicity. Review status: criteria provided, conflicting classifications (1 of 4 stars). 2 submissions from 2 submitters: Uncertain significance (1); Likely benign (1). Last evaluated 2024-10-24.

Allele frequency attached by ClinVar (database versions not stated): gnomAD exomes below 0.00001; gnomAD 0.00001; TOPMed 0.00002.
gnomAD v4.1: 5 of 1,591,878 alleles (0.00031%); highest among the groups gnomAD compares: Non-Finnish European, 0.00043%; no homozygotes.

Submissions (2):

Blueprint Genetics
Classification: Likely benign. Last evaluated: 2024-10-24. Review status: criteria provided, single submitter. Criteria: ACMG Guidelines, 2015. Collection method: clinical testing. Allele origin: germline.

Labcorp Genetics (formerly Invitae), Labcorp
Classification: Uncertain significance. Last evaluated: 2022-03-11. Review status: criteria provided, single submitter. Criteria: Invitae Variant Classification Sherloc (09022015). Collection method: clinical testing. Allele origin: germline.
Comment: This sequence change falls in intron 13 of the PLAA gene. It does not directly change the encoded amino acid sequence of the PLAA protein. It affects a nucleotide within the consensus splice site. This variant is present in population databases (no rsID available, gnomAD 0.0009%). This variant has not been reported in the literature in individuals affected with PLAA-related conditions. Variants that disrupt the consensus splice site are a relatively common cause of aberrant splicing (PMID: 17576681, 9536098). Algorithms developed to predict the effect of sequence changes on RNA splicing suggest that this variant is not likely to affect RNA splicing. In summary, the available evidence is currently insufficient to determine the role of this variant in disease. Therefore, it has been classified as a Variant of Uncertain Significance.

Literature cited by the submitters: PubMed 17576681 (cited by Labcorp Genetics (formerly Invitae), Labcorp); PubMed 9536098 (cited by Labcorp Genetics (formerly Invitae), Labcorp).

NM_001031689.3(PLAA):c.1822+6T>C

Gene: PLAA (phospholipase A2 activating protein; minus strand). Cytogenetic location: 9p21.2.
Variant type: single nucleotide variant.
Coding change: c.1822+6T>C on transcript NM_001031689.3 (MANE Select); 6 bases into the intron after coding-DNA position 1822, T replaced by C.
Molecular consequence: intron variant.
Genome position (GRCh38, 1-based): chr9:26,907,828, A>G on the plus strand (T>C on the coding strand, the complement: PLAA is on the minus strand). VCF-style: chr9-26907828-A-G. GRCh37 (hg19) VCF-style: chr9-26907826-A-G.
Other names: c.1753+6T>C (NM_001321546.2).
Identifiers: ClinVar variation 2420676 (VCV002420676.4), dbSNP rs1179864175, ClinGen allele CA373128310.